The following is an entry in ClinVar:

ClinVar aggregate classification (germline): Uncertain significance (1 of 4 stars; one submission).

Conditions:
SCAPER-related disorder. Also called: SCAPER-related condition.

gnomAD v4.1: 24 of 1,612,766 alleles (0.0015%); highest among the groups gnomAD compares: South Asian, 0.012%; no homozygotes.

Submission:

PreventionGenetics, part of Exact Sciences
Classification: Uncertain significance for SCAPER-related condition. Last evaluated: 2024-11-27. Review status: criteria provided, single submitter. Criteria: ACMG Guidelines, 2015. Collection method: clinical testing. Allele origin: germline.
Comment: The SCAPER c.2078G>A variant is predicted to result in the amino acid substitution p.Arg693His. To our knowledge, this variant has not been reported in the literature. This variant is reported in 0.013% of alleles in individuals of South Asian descent in gnomAD. At this time, the clinical significance of this variant is uncertain due to the absence of conclusive functional and genetic evidence.

NM_020843.4(SCAPER):c.2060G>A (p.Arg687His)

Gene: SCAPER (S-phase cyclin A associated protein in the ER; minus strand). Cytogenetic location: 15q24.3.
Variant type: single nucleotide variant.
Coding change: c.2060G>A on transcript NM_020843.4 (MANE Select); coding-DNA position 2060, G replaced by A.
Protein change: p.Arg687His; replaces arginine 687 with histidine.
Molecular consequence: missense variant. On other transcripts: non-coding transcript variant (1).
Genome position (GRCh38, 1-based): chr15:76,728,700, C>T on the plus strand (G>A on the coding strand, the complement: SCAPER is on the minus strand). VCF-style: chr15-76728700-C-T. GRCh37 (hg19) VCF-style: chr15-77021041-C-T.
Other names: c.1322G>A, p.Arg441His (NM_001145923.2); c.2078G>A, p.Arg693His (NM_001353009.2); c.1658G>A, p.Arg553His (NM_001353010.2, NM_001353012.2); c.1676G>A, p.Arg559His (NM_001353011.2); short protein forms R687H, R553H, R559H, R441H, R693H.
Identifiers: ClinVar variation 4988131 (VCV004988131.1).